The following is an entry in ClinVar:

ClinVar aggregate classification (germline): Pathogenic. Review status: reviewed by expert panel (3 of 4 stars). 2 submissions from 2 submitters: Pathogenic (1). 1 of the submissions does not count toward it. Last evaluated 2017-12-15.

Conditions:
Hereditary breast ovarian cancer syndrome. Also called: Hereditary breast and ovarian cancer; Hereditary breast and/or ovarian cancer syndrome; Hereditary breast and ovarian cancer syndrome (HBOC); Breast and ovarian cancer; BRCA1- and BRCA2-Associated Hereditary Breast and Ovarian Cancer; Hereditary breast and ovarian cancer syndrome. Identifiers: Orphanet 145, MedGen C0677776, MeSH D061325, MONDO:0003582. Disease mechanism: loss of function.
Breast-ovarian cancer, familial, susceptibility to, 2 (BROVCA2). Also called: BRCA2 Hereditary Breast and Ovarian Cancer. Identifiers: Orphanet 145, MedGen C2675520, MONDO:0012933, OMIM 612555. Disease mechanism: loss of function.

Allele frequency attached by ClinVar (database versions not stated): gnomAD exomes below 0.00001; ExAC 0.00001.

Submissions (2):

Evidence-based Network for the Interpretation of Germline Mutant Alleles (ENIGMA)
Classification: Pathogenic for Breast-ovarian cancer, familial, susceptibility to, 2. Last evaluated: 2017-12-15. Review status: reviewed by expert panel. Criteria: ENIGMA BRCA1/2 Classification Criteria (2017-06-29). Collection method: curation. Allele origin: germline. Study: ENIGMA.
Comment: Variant allele predicted to encode a truncated non-functional protein.

Labcorp Genetics (formerly Invitae), Labcorp
Classification: Pathogenic for Hereditary breast ovarian cancer syndrome. Last evaluated: 2023-11-18. Review status: criteria provided, single submitter. Criteria: Invitae Variant Classification Sherloc (09022015). Collection method: clinical testing. Allele origin: germline. Not counted in ClinVar's aggregate classification.
Comment: This sequence change creates a premature translational stop signal (p.Glu1646Lysfs*24) in the BRCA2 gene. It is expected to result in an absent or disrupted protein product. Loss-of-function variants in BRCA2 are known to be pathogenic (PMID: 20104584). This variant is present in population databases (rs773286595, gnomAD 0.003%). This premature translational stop signal has been observed in individual(s) with breast cancer (PMID: 30014164). ClinVar contains an entry for this variant (Variation ID: 548324). For these reasons, this variant has been classified as Pathogenic.

Literature cited by the submitters: PubMed 20104584 (cited by Labcorp Genetics (formerly Invitae), Labcorp); PubMed 30014164 (cited by Labcorp Genetics (formerly Invitae), Labcorp).

NM_000059.4(BRCA2):c.4936del (p.Glu1646fs)

Gene: BRCA2 (BRCA2 DNA repair associated; plus strand). Cytogenetic location: 13q13.1.
Variant type: Deletion.
Coding change: c.4936del on transcript NM_000059.4 (MANE Select); coding-DNA position 4936, one base deleted (G; older notation c.4936delG).
Protein change: p.Glu1646fs; shifts the reading frame from glutamic acid 1646.
Molecular consequence: frameshift variant.
Genome position (GRCh38, 1-based): chr13:32,339,291, G deleted. VCF-style (leftmost placement, unchanged base first): chr13-32339290-AG-A. GRCh37 (hg19) VCF-style: chr13-32913427-AG-A.
Other names: c.4936delG (NM_000059.3); short protein forms E1646fs.
Identifiers: ClinVar variation 548324 (VCV000548324.4), dbSNP rs773286595, ClinGen allele CA6940829.